The following is an entry in ClinVar:

NM_020921.4(NIN):c.5873T>C (p.Met1958Thr)

Gene: NIN (ninein; minus strand). Cytogenetic location: 14q22.1.
Variant type: single nucleotide variant.
Coding change: c.5873T>C on transcript NM_020921.4 (MANE Select); coding-DNA position 5873, T replaced by C.
Protein change: p.Met1958Thr; replaces methionine 1958 with threonine.
Molecular consequence: missense variant.
Genome position (GRCh38, 1-based): chr14:50,735,520, A>G on the plus strand (T>C on the coding strand, the complement: NIN is on the minus strand). VCF-style: chr14-50735520-A-G. GRCh37 (hg19) VCF-style: chr14-51202238-A-G.
Other names: c.3734T>C, p.Met1245Thr (NM_016350.5); c.5873T>C, p.Met1958Thr (NM_182944.3, NM_182946.2); short protein forms M1958T, M1245T.
Identifiers: ClinVar variation 2017597 (VCV002017597.4), dbSNP rs2505045840, ClinGen allele CA389674954.
Genomic context (GRCh38, chr14:50,735,520, plus strand): 5'-CTCATTCATGGATTAACATATTCTTCATAGCTAAGGCCATCTGCTGAGAAACTTACCTCC[A>G]TGAGCTGCTCATCCAGTTTTACTTGTTTCTTTTTCAGGCCTTCATTTTCCAAATGAATTG-3'
Protein context (NP_065972.4, residues 1948-1968): KKQVKLDEQL[Met1958Thr]EMQHLRSTAT

ClinVar aggregate classification (germline): Uncertain significance (1 of 4 stars; one submission).

Submission:

Labcorp Genetics (formerly Invitae), Labcorp
Classification: Uncertain significance. Last evaluated: 2022-09-28. Review status: criteria provided, single submitter. Criteria: Invitae Variant Classification Sherloc (09022015). Collection method: clinical testing. Allele origin: germline.
Comment: In summary, the available evidence is currently insufficient to determine the role of this variant in disease. Therefore, it has been classified as a Variant of Uncertain Significance. Algorithms developed to predict the effect of missense changes on protein structure and function are either unavailable or do not agree on the potential impact of this missense change (SIFT: "Deleterious"; PolyPhen-2: "Possibly Damaging"; Align-GVGD: "Class C0"). This variant has not been reported in the literature in individuals affected with NIN-related conditions. This variant is not present in population databases (gnomAD no frequency). This sequence change replaces methionine, which is neutral and non-polar, with threonine, which is neutral and polar, at codon 1958 of the NIN protein (p.Met1958Thr).